The following is an entry in ClinVar:

ClinVar aggregate classification (germline): Uncertain significance (1 of 4 stars; one submission).

Conditions:
DNA ligase IV deficiency. Identifiers: Orphanet 99812, MedGen C1847827, MONDO:0011686, OMIM 606593.

Submission:

Labcorp Genetics (formerly Invitae), Labcorp
Classification: Uncertain significance for DNA ligase IV deficiency. Last evaluated: 2022-08-23. Review status: criteria provided, single submitter. Criteria: Invitae Variant Classification Sherloc (09022015). Collection method: clinical testing. Allele origin: germline.
Comment: In summary, the available evidence is currently insufficient to determine the role of this variant in disease. Therefore, it has been classified as a Variant of Uncertain Significance. Algorithms developed to predict the effect of missense changes on protein structure and function are either unavailable or do not agree on the potential impact of this missense change (SIFT: "Deleterious"; PolyPhen-2: "Possibly Damaging"; Align-GVGD: "Class C0"). ClinVar contains an entry for this variant (Variation ID: 944263). This variant has not been reported in the literature in individuals affected with LIG4-related conditions. This variant is not present in population databases (gnomAD no frequency). This sequence change replaces alanine, which is neutral and non-polar, with valine, which is neutral and non-polar, at codon 156 of the LIG4 protein (p.Ala156Val).

NM_206937.2(LIG4):c.467C>T (p.Ala156Val)

Gene: LIG4 (DNA ligase 4; minus strand). Cytogenetic location: 13q33.3.
Variant type: single nucleotide variant.
Coding change: c.467C>T on transcript NM_206937.2 (MANE Select); coding-DNA position 467, C replaced by T.
Protein change: p.Ala156Val; replaces alanine 156 with valine.
Molecular consequence: missense variant.
Genome position (GRCh38, 1-based): chr13:108,210,802, G>A on the plus strand (C>T on the coding strand, the complement: LIG4 is on the minus strand). VCF-style: chr13-108210802-G-A. GRCh37 (hg19) VCF-style: chr13-108863150-G-A.
Other names: c.467C>T, p.Ala156Val (NM_002312.3, NM_001098268.2, NM_001352598.2 and 6 more transcripts); c.266C>T, p.Ala89Val (NM_001330595.2); c.503C>T, p.Ala168Val (NM_001352604.2); short protein forms A168V, A89V, A156V.
Identifiers: ClinVar variation 944263 (VCV000944263.9), dbSNP rs1878574599, ClinGen allele CA388622499.